The following is an entry in ClinVar:

NM_001983.4(ERCC1):c.525+2T>C

Gene: ERCC1 (ERCC excision repair 1, endonuclease non-catalytic subunit; minus strand). Cytogenetic location: 19q13.32.
Variant type: single nucleotide variant.
Coding change: c.525+2T>C on transcript NM_001983.4 (MANE Select); the canonical splice donor site of the intron after coding-DNA position 525, T replaced by C.
Molecular consequence: splice donor variant.
Genome position (GRCh38, 1-based): chr19:45,419,096, A>G on the plus strand (T>C on the coding strand, the complement: ERCC1 is on the minus strand). VCF-style: chr19-45419096-A-G. GRCh37 (hg19) VCF-style: chr19-45922354-A-G.
Other names: c.525+2T>C (NM_001369412.1, NM_001369413.1, NM_001369417.1 and 11 more transcripts).
Identifiers: ClinVar variation 489383 (VCV000489383.2), dbSNP rs1555787722, ClinGen allele CA406357623.

ClinVar aggregate classification (germline): Pathogenic (1 of 4 stars; one submission).

Submission:

GeneDx
Classification: Pathogenic. Last evaluated: 2018-01-29. Review status: criteria provided, single submitter. Criteria: GeneDx Variant Classification (06012015). Collection method: clinical testing. Allele origin: germline. Affected: yes.
Comment: The c.525+2T>C variant in the ERCC1 gene has not been reported previously as a pathogenic variant nor as a benign variant, to our knowledge. This splice site variant destroys the canonical splice donor site in intron 4. It is predicted to cause abnormal gene splicing, either leading to an abnormal message that is subject to nonsense-mediated mRNA decay, or to an abnormal protein product if the message is used for protein translation. The c.525+2T>C variant is not observed in large population cohorts (Lek et al., 2016). We interpret c.525+2T>C as a pathogenic variant.